The following is an entry in ClinVar:

NM_000443.4(ABCB4):c.1621A>T (p.Ile541Phe)

Gene: ABCB4 (ATP binding cassette subfamily B member 4; minus strand). Cytogenetic location: 7q21.12.
Variant type: single nucleotide variant.
Coding change: c.1621A>T on transcript NM_000443.4 (MANE Select); coding-DNA position 1621, A replaced by T.
Protein change: p.Ile541Phe; replaces isoleucine 541 with phenylalanine.
Molecular consequence: missense variant.
Genome position (GRCh38, 1-based): chr7:87,439,777, T>A on the plus strand (A>T on the coding strand, the complement: ABCB4 is on the minus strand). VCF-style: chr7-87439777-T-A. GRCh37 (hg19) VCF-style: chr7-87069093-T-A.
Other names: c.1621A>T, p.Ile541Phe (NM_018849.3, NM_018850.3); short protein forms I541F.
Identifiers: ClinVar variation 4846505 (VCV004846505.1).

ClinVar aggregate classification (germline): Pathogenic (1 of 4 stars; one submission).

Conditions:
Familial intrahepatic cholestasis. Identifiers: Orphanet 284385, MedGen CN296401, MONDO:0017290.
Low phospholipid associated cholelithiasis (GBD1). Also called: Gallbladder disease 1; Gallstone cholecystitis. Identifiers: Orphanet 69663, MedGen C2609268, MONDO:0010939, OMIM 600803.

Submission:

Genomenon, Inc
Classification: Pathogenic for Familial intrahepatic cholestasis; Low phospholipid associated cholelithiasis. Last evaluated: 2026-04-14. Review status: criteria provided, single submitter. Criteria: Genomenon Sequence Variant Interpretation Standards - Updated. Collection method: curation. Allele origin: germline. Affected: yes.
Comment: ABCB4 p.Ile541Phe (c.1621A>T) is a missense variant that changes the amino acid at residue 541 from Isoleucine to Phenylalanine. This variant has been observed in at least one proband with an ABCB4-related disorder (PMID:36550572;11313315;23533021). At least one functional study has demonstrated a substantial alteration in protein function relative to the wild-type (PMID:39048674;33650203;31040306;26474921). This variant is located in a mutational hotspot and/or important functional domain. It is absent or not present at a significant frequency in gnomAD. In silico models predict that this variant is possibly or probably damaging. In conclusion, we classify ABCB4 p.Ile541Phe (c.1621A>T) as a pathogenic variant.

Literature cited by the submitters: PubMed 36550572; PubMed 11313315; PubMed 23533021; PubMed 39048674; PubMed 33650203; PubMed 31040306; PubMed 26474921.